The following is an entry in ClinVar:

ClinVar aggregate classification (germline): Conflicting classifications of pathogenicity. Review status: criteria provided, conflicting classifications (1 of 4 stars). 6 submissions from 6 submitters: Uncertain significance (5); Likely benign (1). Last evaluated 2025-05-14.

Conditions:
Hereditary cancer-predisposing syndrome. Also called: Hereditary Cancer Syndrome; Hereditary neoplastic syndrome; Neoplastic Syndromes, Hereditary; Tumor predisposition. Identifiers: Orphanet 140162, MedGen C0027672, MeSH D009386, MONDO:0015356.
Familial cancer of breast. Also called: BREAST CANCER, FAMILIAL; Hereditary breast cancer; hereditary breast carcinoma. Identifiers: Orphanet 227535, MedGen C0346153, MONDO:0016419, OMIM 114480. Disease mechanism: loss of function.

Allele frequency attached by ClinVar (database versions not stated): gnomAD exomes below 0.00001; ExAC 0.00001.
gnomAD v4.1: 3 of 1,614,090 alleles (0.00019%); highest among the groups gnomAD compares: African/African-American, 0.0013%; no homozygotes.

Submissions (6):

Labcorp Genetics (formerly Invitae), Labcorp
Classification: Uncertain significance for Familial cancer of breast. Last evaluated: 2025-05-14. Review status: criteria provided, single submitter. Criteria: Invitae Variant Classification Sherloc (09022015). Collection method: clinical testing. Allele origin: germline.
Comment: This sequence change replaces asparagine, which is neutral and polar, with serine, which is neutral and polar, at codon 419 of the BARD1 protein (p.Asn419Ser). This variant is present in population databases (rs776723079, gnomAD 0.0009%). This variant has not been reported in the literature in individuals affected with BARD1-related conditions. ClinVar contains an entry for this variant (Variation ID: 406755). An algorithm developed to predict the effect of missense changes on protein structure and function outputs the following: PolyPhen-2: "Benign". The serine amino acid residue is found in multiple mammalian species, which suggests that this missense change does not adversely affect protein function. In summary, the available evidence is currently insufficient to determine the role of this variant in disease. Therefore, it has been classified as a Variant of Uncertain Significance.

Color Diagnostics, LLC DBA Color Health
Classification: Uncertain significance for Hereditary cancer-predisposing syndrome. Last evaluated: 2025-04-29. Review status: criteria provided, single submitter. Criteria: ACMG Guidelines, 2015. Collection method: clinical testing. Allele origin: germline.
Comment: This missense variant replaces asparagine with serine at codon 419 of the BARD1 protein. Computational prediction suggests that this variant may not impact protein structure and function. To our knowledge, functional studies have not been reported for this variant. This variant has been reported in an individual affected with breast cancer (PMID: 33471991). This variant has been identified in 1/250950 chromosomes in the general population by the Genome Aggregation Database (gnomAD). The available evidence is insufficient to determine the role of this variant in disease conclusively. Therefore, this variant is classified as a Variant of Uncertain Significance.

GeneDx
Classification: Uncertain significance. Last evaluated: 2025-03-07. Review status: criteria provided, single submitter. Criteria: GeneDx Variant Classification Process June 2021. Collection method: clinical testing. Allele origin: germline. Affected: yes.
Comment: Not observed at significant frequency in large population cohorts (gnomAD); In silico analysis indicates that this missense variant does not alter protein structure/function; Observed in individuals with breast cancer (PMID: 33471991); This variant is associated with the following publications: (PMID: 36243179, 33471991)

Ambry Genetics
Classification: Likely benign for Hereditary cancer-predisposing syndrome. Last evaluated: 2024-12-31. Review status: criteria provided, single submitter. Criteria: Ambry Variant Classification Scheme 2023. Collection method: clinical testing. Allele origin: germline.

Women's Health and Genetics/Laboratory Corporation of America, LabCorp
Classification: Uncertain significance. Last evaluated: 2023-05-05. Review status: criteria provided, single submitter. Criteria: LabCorp Variant Classification Summary - May 2015. Collection method: clinical testing. Allele origin: germline.
Comment: Variant summary: BARD1 c.1256A>G (p.Asn419Ser) results in a conservative amino acid change in the encoded protein sequence. Five of five in-silico tools predict a benign effect of the variant on protein function. The variant allele was found at a frequency of 4e-06 in 250950 control chromosomes (gnomAD). The available data on variant occurrences in the general population are insufficient to allow any conclusion about variant significance. To our knowledge, no occurrence of c.1256A>G in individuals affected with Breast Cancer and no experimental evidence demonstrating its impact on protein function have been reported. Four clinical diagnostic laboratories have submitted clinical-significance assessments for this variant to ClinVar after 2014 and all classified the variant as uncertain significance. Based on the evidence outlined above, the variant was classified as uncertain significance.

Sema4
Classification: Uncertain significance for Hereditary cancer-predisposing syndrome. Last evaluated: 2021-12-16. Review status: criteria provided, single submitter. Criteria: Sema4 Curation Guidelines. Collection method: curation. Allele origin: germline.
Comment: The BARD1 c.1256A>G (p.N419S) variant has been reported in a large breast cancer case-control study in 1/60466 cases and 0/53461 controls (PMID: 33471991). It was observed in 1/113370 chromosomes of the Non-Finnish European (NFE) subpopulation in the large and broad cohorts of the Genome Aggregation Database (PMID: 32461654). This variant has been reported in ClinVar (Variation ID 406755). In silico tools suggest the impact of the variant on protein function is benign, though these predictions have not been confirmed by functional studies. The evidence is insufficient to meet ACMG/AMP criteria for classifying the variant as benign or pathogenic. Thus, the clinical significance of this variant is currently uncertain.

Literature cited by the submitters: PubMed 33471991 (cited by Color Diagnostics, LLC DBA Color Health and Sema4).

NM_000465.4(BARD1):c.1256A>G (p.Asn419Ser)

Gene: BARD1 (BRCA1 associated RING domain 1; minus strand). Cytogenetic location: 2q35.
Variant type: single nucleotide variant.
Coding change: c.1256A>G on transcript NM_000465.4 (MANE Select); coding-DNA position 1256, A replaced by G.
Protein change: p.Asn419Ser; replaces asparagine 419 with serine.
Molecular consequence: missense variant. On other transcripts: intron variant (3), non-coding transcript variant (2).
Genome position (GRCh38, 1-based): chr2:214,780,618, T>C on the plus strand (A>G on the coding strand, the complement: BARD1 is on the minus strand). VCF-style: chr2-214780618-T-C. GRCh37 (hg19) VCF-style: chr2-215645342-T-C.
Other names: c.159-28063A>G (NM_001282548.2); c.215+16443A>G (NM_001282545.2); c.364+11679A>G (NM_001282549.2); c.1199A>G, p.Asn400Ser (NM_001282543.2); short protein forms N419S, N400S.
Identifiers: ClinVar variation 406755 (VCV000406755.19), dbSNP rs776723079, ClinGen allele CA2090321.